The following is an entry in ClinVar:

ClinVar aggregate classification (germline): Uncertain significance (1 of 4 stars; one submission).

Submission:

Women's Health and Genetics/Laboratory Corporation of America, LabCorp
Classification: Uncertain significance. Last evaluated: 2025-09-15. Review status: criteria provided, single submitter. Criteria: LabCorp Variant Classification Summary - May 2015. Collection method: clinical testing. Allele origin: germline.
Comment: Variant summary: MED13 c.692A>C (p.Lys231Thr) results in a non-conservative amino acid change in the encoded protein sequence. Algorithms developed to predict the effect of missense changes on protein structure and function all suggest that this variant is likely to be disruptive. The variant was absent in 249382 control chromosomes. The available data on variant occurrences in the general population are insufficient to allow any conclusion about variant significance. To our knowledge, no occurrence of c.692A>C in individuals affected with MED13-related conditions and no experimental evidence demonstrating its impact on protein function have been reported. No submitters have cited clinical-significance assessments for this variant to ClinVar. Based on the evidence outlined above, the variant was classified as uncertain significance.

NM_005121.3(MED13):c.692A>C (p.Lys231Thr)

Gene: MED13 (mediator complex subunit 13; minus strand). Cytogenetic location: 17q23.2.
Variant type: single nucleotide variant.
Coding change: c.692A>C on transcript NM_005121.3 (MANE Select); coding-DNA position 692, A replaced by C.
Protein change: p.Lys231Thr; replaces lysine 231 with threonine.
Molecular consequence: missense variant.
Genome position (GRCh38, 1-based): chr17:62,033,909, T>G on the plus strand (A>C on the coding strand, the complement: MED13 is on the minus strand). VCF-style: chr17-62033909-T-G. GRCh37 (hg19) VCF-style: chr17-60111270-T-G.
Other names: short protein forms K231T.
Identifiers: ClinVar variation 4535531 (VCV004535531.1).
Genomic context (GRCh38, chr17:62,033,909, plus strand): 5'-TCAGACATCTCCTTCAAGCAACATGAGATAGGATAGAACTGTTTCCATTCACCAATTAAT[T>G]TTTTTGTAGCTGAATCAGACATCTTGAATGCCTGTCCTGTGAGAGTGCCATTTAGTCCAA-3'
Protein context (NP_005112.2, residues 221-241): AFKMSDSATK[Lys231Thr]LIGEWKQFYP